The following is an entry in ClinVar:

ClinVar aggregate classification (germline): Conflicting classifications of pathogenicity. Review status: criteria provided, conflicting classifications (1 of 4 stars). 3 submissions from 3 submitters: Uncertain significance (2); Likely benign (1). Last evaluated 2025-11-06.

Conditions:
Fanconi anemia (FA). Also called: Fanconi's anemia. Identifiers: Orphanet 84, MedGen C0015625, MeSH D005199, MONDO:0019391.
Fanconi anemia complementation group A (FANCA). Also called: Fanconi anemia, group A; FANCA-Related Fanconi Anemia. Identifiers: Orphanet 84, MedGen C3469521, MONDO:0009215, OMIM 227650.

Allele frequency attached by ClinVar (database versions not stated): gnomAD 0.00002 and 0.00003; TOPMed 0.00004.
gnomAD v4.1: 18 of 1,613,808 alleles (0.0011%); highest among the groups gnomAD compares: East Asian, 0.04%; no homozygotes.

Submissions (3):

Labcorp Genetics (formerly Invitae), Labcorp
Classification: Likely benign for Fanconi anemia. Last evaluated: 2025-11-06. Review status: criteria provided, single submitter. Criteria: Invitae Variant Classification Sherloc (09022015). Collection method: clinical testing. Allele origin: germline.

Fulgent Genetics
Classification: Uncertain significance for Fanconi anemia complementation group A. Last evaluated: 2022-05-14. Review status: criteria provided, single submitter. Criteria: ACMG Guidelines, 2015. Collection method: clinical testing. Allele origin: unknown.

Sema4
Classification: Uncertain significance for Fanconi anemia. Last evaluated: 2021-11-17. Review status: criteria provided, single submitter. Criteria: Sema4 Curation Guidelines. Collection method: curation. Allele origin: germline.
Comment: The FANCA c.4294G>T (p.V1432L) variant has been reported in heterozygosity in at least one individual with clear cell papillary renal cell carcinoma (PMID: 34512202). It was observed in 25/19942 chromosomes of the East Asian subpopulation, with no homozygotes, in the large and broad cohorts of the Genome Aggregation Database (PMID: 32461654). The variant has not been reported in ClinVar. Functional studies have not been performed, and in silico predictions of the variant's effect on protein function are inconclusive. The evidence is insufficient to meet ACMG/AMP criteria for classifying the variant as benign or pathogenic. Thus, the clinical significance of this variant is currently uncertain.

Literature cited by the submitters: PubMed 34512202 (cited by Sema4).

NM_000135.4(FANCA):c.4294G>T (p.Val1432Leu)

Genes: FANCA (FA complementation group A; minus strand), ZNF276 (zinc finger protein 276; plus strand). Cytogenetic location: 16q24.3.
Variant type: single nucleotide variant.
Coding change: c.4294G>T on transcript NM_000135.4 (MANE Select); coding-DNA position 4294, G replaced by T.
Protein change: p.Val1432Leu; replaces valine 1432 with leucine.
Molecular consequence: missense variant. On other transcripts: 3 prime UTR variant (3), non-coding transcript variant (4).
Genome position (GRCh38, 1-based): chr16:89,738,675, C>A on the plus strand (G>T on the coding strand, the complement: FANCA is on the minus strand). VCF-style: chr16-89738675-C-A. GRCh37 (hg19) VCF-style: chr16-89805083-C-A.
Other names: c.*23G>T (NM_001286167.3); c.*429C>A (NM_001113525.2, NM_152287.4); short protein forms V1432L.
Identifiers: ClinVar variation 1692228 (VCV001692228.7), dbSNP rs769243354, ClinGen allele CA8250587.